The following is an entry in ClinVar:

ClinVar aggregate classification (germline): Uncertain significance. Review status: criteria provided, multiple submitters, no conflicts (2 of 4 stars). 2 submissions from 2 submitters: Uncertain significance (2). Last evaluated 2025-01-11.

Conditions:
Hermansky-Pudlak syndrome 2 (HPS2). Also called: Platelet defects and oculocutaneous albinism. Identifiers: Orphanet 183678, Orphanet 79430, MedGen C1842362, MONDO:0011997, OMIM 608233.

Allele frequency attached by ClinVar (database versions not stated): ExAC 0.00002; gnomAD 0.00003 and 0.00004; gnomAD exomes 0.00003; TOPMed 0.00003.
gnomAD v4.1: 49 of 1,614,126 alleles (0.003%); highest among the groups gnomAD compares: Middle Eastern, 0.099%; 1 homozygote.

Submissions (2):

Labcorp Genetics (formerly Invitae), Labcorp
Classification: Uncertain significance for Hermansky-Pudlak syndrome 2. Last evaluated: 2025-01-11. Review status: criteria provided, single submitter. Criteria: Invitae Variant Classification Sherloc (09022015). Collection method: clinical testing. Allele origin: germline.
Comment: This sequence change replaces glutamine, which is neutral and polar, with arginine, which is basic and polar, at codon 11 of the AP3B1 protein (p.Gln11Arg). This variant is present in population databases (rs764312417, gnomAD 0.006%). This variant has not been reported in the literature in individuals affected with AP3B1-related conditions. ClinVar contains an entry for this variant (Variation ID: 839408). An algorithm developed to predict the effect of missense changes on protein structure and function (PolyPhen-2) suggests that this variant¬†is likely to be tolerated. In summary, the available evidence is currently insufficient to determine the role of this variant in disease. Therefore, it has been classified as a Variant of Uncertain Significance.

Illumina Laboratory Services, Illumina
Classification: Uncertain significance for Hermansky-Pudlak syndrome 2. Last evaluated: 2018-01-13. Review status: criteria provided, single submitter. Criteria: ICSL Variant Classification Criteria 13 December 2019. Collection method: clinical testing. Allele origin: germline.

NM_003664.5(AP3B1):c.32A>G (p.Gln11Arg)

Gene: AP3B1 (adaptor related protein complex 3 subunit beta 1; minus strand). Cytogenetic location: 5q14.1.
Variant type: single nucleotide variant.
Coding change: c.32A>G on transcript NM_003664.5 (MANE Select); coding-DNA position 32, A replaced by G.
Protein change: p.Gln11Arg; replaces glutamine 11 with arginine.
Molecular consequence: missense variant. On other transcripts: 5 prime UTR variant (1).
Genome position (GRCh38, 1-based): chr5:78,294,548, T>C on the plus strand (A>G on the coding strand, the complement: AP3B1 is on the minus strand). VCF-style: chr5-78294548-T-C. GRCh37 (hg19) VCF-style: chr5-77590372-T-C.
Other names: c.-128A>G (NM_001271769.2); short protein forms Q11R.
Identifiers: ClinVar variation 839408 (VCV000839408.11), dbSNP rs764312417, ClinGen allele CA3317480.